The following is an entry in ClinVar:

NM_024337.4(IRX1):c.96T>G (p.Ala32=)

Gene: IRX1 (iroquois homeobox 1; plus strand). Cytogenetic location: 5p15.33.
Variant type: single nucleotide variant.
Coding change: c.96T>G on transcript NM_024337.4 (MANE Select); coding-DNA position 96, T replaced by G.
Protein change: p.Ala32=; no amino-acid change (alanine 32 retained).
Molecular consequence: synonymous variant.
Genome position (GRCh38, 1-based): chr5:3,596,201, T>G. VCF-style: chr5-3596201-T-G. GRCh37 (hg19) VCF-style: chr5-3596315-T-G.
Identifiers: ClinVar variation 2571214 (VCV002571214.27), dbSNP rs1277290372, ClinGen allele CA443072726.
Genomic context (GRCh38, chr5:3,596,201, plus strand): 5'-GAGCGCCGCGGGGCCGGGCGCCTACGGCGGCGAGCGCCCGGGGGTGCTGGCCGCGGCCGC[T>G]GCGGCGGCTGCCGCCGCCTCGTCGGGCCGACCGGGGGCCGCGGAGCTGGGCGGCGGGGCA-3'
Protein context (NP_077313.3, residues 22-42): GERPGVLAAA[Ala32=]AAAAAASSGR

ClinVar aggregate classification (germline): Likely benign (1 of 4 stars; one submission).

Submission:

CeGaT Center for Human Genetics Tuebingen
Classification: Likely benign. Last evaluated: 2023-06-01. Review status: criteria provided, single submitter. Criteria: CeGaT Center For Human Genetics Tuebingen Variant Classification Criteria Version 2. Collection method: clinical testing. Allele origin: germline. Affected: yes. Observed: 1 variant allele.
Comment: IRX1: PM2:Supporting, BP4, BP7